The following is an entry in ClinVar:

ClinVar aggregate classification (germline): Benign/Likely benign. Review status: criteria provided, multiple submitters, no conflicts (2 of 4 stars). 11 submissions from 6 submitters: Benign (6); Likely benign (4). 1 of the submissions does not count toward it. Last evaluated 2025-12-08.

Conditions:
TRPV4-related disorder. Also called: TRPV4-related disorders; TRPV4-related condition.
Inborn genetic diseases. Identifiers: MedGen C0950123, MeSH D030342.
Scapuloperoneal spinal muscular atrophy (SPSMA). Also called: Scapuloperoneal Spinal Muscular Atrophy, TRPV4-Related; AMYOTROPHY, NEUROGENIC SCAPULOPERONEAL, NEW ENGLAND TYPE; Scapuloperoneal Form of Spinal Muscular Atrophy; Scapuloperoneal spinal muscular atrophy, autosomal dominant. Identifiers: Orphanet 431255, MedGen C0751335, MONDO:0008408, OMIM 181405.
Brachyrachia (short spine dysplasia) (BCYM3). Also called: Autosomal dominant brachyolmia; Brachyolmia, TRPV4-Related; BRACHYRACHIA; Brachyolmia Type 3. Identifiers: Orphanet 93304, MedGen C0432227, MONDO:0007232, OMIM 113500.
Neuronopathy, distal hereditary motor, autosomal dominant 8. Also called: Autosomal dominant congenital benign spinal muscular atrophy; SPINAL MUSCULAR ATROPHY, CONGENITAL BENIGN, WITH CONTRACTURES; NEURONOPATHY, DISTAL HEREDITARY MOTOR, TYPE VIII; NEUROPATHY, DISTAL HEREDITARY MOTOR, TYPE VIII. Identifiers: Orphanet 1216, MedGen C1838492, MONDO:0010839, OMIM 600175.
Charcot-Marie-Tooth disease axonal type 2C (HMSN2C). Also called: Charcot-Marie-Tooth Disease Type 2, TRPV4-Related (CMT2C); CHARCOT-MARIE-TOOTH DISEASE, AXONAL, AUTOSOMAL DOMINANT, TYPE 2C; Charcot-Marie-Tooth Neuropathy Type 2C. Identifiers: Orphanet 99937, MedGen C1853710, MONDO:0011633, OMIM 606071.
Metatropic dysplasia (MTD). Also called: Metatropic Dysplasia, TRPV4-Related; METATROPIC DWARFISM; Metatropic dysplasia, nonlethal dominant. Identifiers: Orphanet 2635, MedGen C0265281, MONDO:0007986, OMIM 156530.
Spondylometaphyseal dysplasia, Kozlowski type (SMDK). Also called: Spondylometaphyseal Dysplasia, TRPV4-Related (Kozlowski Type); Dysmorphism arthrogryposis skeletal maturation advanced; Jequier-Kozlowski syndrome; Skeletal dysplasia Jequier-Kozlowski type; SMD Kozlowski type. Identifiers: Orphanet 93314, MedGen C0265280, MONDO:0008477, OMIM 184252.

Allele frequency attached by ClinVar (database versions not stated): ESP Exome Variant Server 0.00015; ExAC 0.00018; gnomAD 0.00025 and 0.00026; gnomAD exomes 0.00027; TOPMed 0.00042; 1000 Genomes Project 0.00060; 1000 Genomes Project 30x 0.00062.
gnomAD v4.1: 248 of 1,613,010 alleles (0.015%); highest among the groups gnomAD compares: Middle Eastern, 0.05%; no homozygotes.

Submissions (11):

Labcorp Genetics (formerly Invitae), Labcorp
Classification: Benign for Charcot-Marie-Tooth disease axonal type 2C. Last evaluated: 2025-12-08. Review status: criteria provided, single submitter. Criteria: Invitae Variant Classification Sherloc (09022015). Collection method: clinical testing. Allele origin: germline.

CeGaT Center for Human Genetics Tuebingen
Classification: Likely benign. Last evaluated: 2025-02-01. Review status: criteria provided, single submitter. Criteria: CeGaT Center For Human Genetics Tuebingen Variant Classification Criteria Version 2. Collection method: clinical testing. Allele origin: germline. Affected: yes. Observed: 1 variant allele.
Comment: TRPV4: BP4

GeneDx
Classification: Likely benign. Last evaluated: 2022-06-30. Review status: criteria provided, single submitter. Criteria: GeneDx Variant Classification Process June 2021. Collection method: clinical testing. Allele origin: germline. Affected: yes.
Comment: See Variant Classification Assertion Criteria.

Ambry Genetics
Classification: Likely benign for Inborn genetic diseases. Last evaluated: 2020-01-13. Review status: criteria provided, single submitter. Criteria: Ambry Variant Classification Scheme 2023. Collection method: clinical testing. Allele origin: germline.

Illumina Laboratory Services, Illumina
Classification: Benign for Scapuloperoneal spinal muscular atrophy. Last evaluated: 2018-01-12. Review status: criteria provided, single submitter. Criteria: ICSL Variant Classification Criteria 13 December 2019. Collection method: clinical testing. Allele origin: germline.
Comment: This variant was observed in the ICSL laboratory as part of a predisposition screen in an ostensibly healthy population. It had not been previously curated by ICSL or reported in the Human Gene Mutation Database (HGMD: prior to June 1st, 2018), and was therefore a candidate for classification through an automated scoring system. Utilizing variant allele frequency, disease prevalence and penetrance estimates, and inheritance mode, an automated score was calculated to assess if this variant is too frequent to cause the disease. Based on the score and internal cut-off values, a variant classified as benign is not then subjected to further curation. The score for this variant resulted in a classification of benign for this disease.

Illumina Laboratory Services, Illumina
Classification: Benign for Brachyrachia (short spine dysplasia). Last evaluated: 2018-01-12. Review status: criteria provided, single submitter. Criteria: ICSL Variant Classification Criteria 13 December 2019. Collection method: clinical testing. Allele origin: germline.
Comment: the same text as in the submission from Illumina Laboratory Services, Illumina above.

Illumina Laboratory Services, Illumina
Classification: Benign for Neuronopathy, distal hereditary motor, autosomal dominant 8. Last evaluated: 2018-01-12. Review status: criteria provided, single submitter. Criteria: ICSL Variant Classification Criteria 13 December 2019. Collection method: clinical testing. Allele origin: germline.
Comment: the same text as in the submission from Illumina Laboratory Services, Illumina above.

Illumina Laboratory Services, Illumina
Classification: Likely benign for Charcot-Marie-Tooth disease axonal type 2C. Last evaluated: 2018-01-12. Review status: criteria provided, single submitter. Criteria: ICSL Variant Classification Criteria 13 December 2019. Collection method: clinical testing. Allele origin: germline.
Comment: This variant was observed in the ICSL laboratory as part of a predisposition screen in an ostensibly healthy population. It had not been previously curated by ICSL or reported in the Human Gene Mutation Database (HGMD: prior to June 1st, 2018), and was therefore a candidate for classification through an automated scoring system. Utilizing variant allele frequency, disease prevalence and penetrance estimates, and inheritance mode, an automated score was calculated to assess if this variant is too frequent to cause the disease. Based on the score and internal cut-off values, a variant classified as likely benign is not then subjected to further curation. The score for this variant resulted in a classification of likely benign for this disease.

Illumina Laboratory Services, Illumina
Classification: Benign for Metatropic dysplasia. Last evaluated: 2018-01-12. Review status: criteria provided, single submitter. Criteria: ICSL Variant Classification Criteria 13 December 2019. Collection method: clinical testing. Allele origin: germline.
Comment: the same text as in the submission from Illumina Laboratory Services, Illumina above.

Illumina Laboratory Services, Illumina
Classification: Benign for Spondylometaphyseal dysplasia, Kozlowski type. Last evaluated: 2018-01-12. Review status: criteria provided, single submitter. Criteria: ICSL Variant Classification Criteria 13 December 2019. Collection method: clinical testing. Allele origin: germline.
Comment: the same text as in the submission from Illumina Laboratory Services, Illumina above.

PreventionGenetics, part of Exact Sciences
Classification: Benign for TRPV4-related condition. Last evaluated: 2019-05-21. Review status: no assertion criteria provided. Collection method: clinical testing. Allele origin: germline. Not counted in ClinVar's aggregate classification.
Comment: This variant is classified as benign based on ACMG/AMP sequence variant interpretation guidelines (Richards et al. 2015 PMID: 25741868, with internal and published modifications).

NM_021625.5(TRPV4):c.402C>A (p.Ser134Arg)

Gene: TRPV4 (transient receptor potential cation channel subfamily V member 4; minus strand). Cytogenetic location: 12q24.11.
Variant type: single nucleotide variant.
Coding change: c.402C>A on transcript NM_021625.5 (MANE Select); coding-DNA position 402, C replaced by A.
Protein change: p.Ser134Arg; replaces serine 134 with arginine.
Molecular consequence: missense variant.
Genome position (GRCh38, 1-based): chr12:109,808,453, G>T on the plus strand (C>A on the coding strand, the complement: TRPV4 is on the minus strand). VCF-style: chr12-109808453-G-T. GRCh37 (hg19) VCF-style: chr12-110246258-G-T.
Other names: c.402C>A, p.Ser134Arg (NM_001177433.2, NM_147204.3, NM_001177428.2); c.300C>A, p.Ser100Arg (NM_001177431.2); short protein forms S134R, S100R.
Identifiers: ClinVar variation 246556 (VCV000246556.37), dbSNP rs201241092, ClinGen allele CA6780546.
Genomic context (GRCh38, chr12:109,808,453, plus strand): 5'-GAGGATAGGCCGGTTGAAGACTTTGAGGATGGGGGGCGGCTGAGGGGCAGGGGCTTTGGG[G>T]CTCTGCGGCTGCTTCCTGGAGGAGGTAGGGAGGCAAGTTGATGGGAGGGCTCATCCCCTG-3'
Protein context (NP_067638.3, residues 124-144): RKKIIEKQPQ[Ser134Arg]PKAPAPQPPP